The following is an entry in ClinVar:

ClinVar aggregate classification (germline): Benign/Likely benign. Review status: criteria provided, multiple submitters, no conflicts (2 of 4 stars). 5 submissions from 5 submitters: Benign (3); Likely benign (1). 1 of the submissions does not count toward it. Last evaluated 2026-01-28.

Conditions:
SLC1A2-related disorder. Also called: SLC1A2-related condition.

Allele frequency attached by ClinVar (database versions not stated): gnomAD exomes 0.00058; ExAC 0.00073; 1000 Genomes Project 0.00180; 1000 Genomes Project 30x 0.00219; gnomAD 0.00238 and 0.00262; ESP Exome Variant Server 0.00246; TOPMed 0.00267.
gnomAD v4.1: 712 of 1,613,964 alleles (0.044%); highest among the groups gnomAD compares: African/African-American, 0.83%; 5 homozygotes.

Submissions (5):

Labcorp Genetics (formerly Invitae), Labcorp
Classification: Benign. Last evaluated: 2026-01-28. Review status: criteria provided, single submitter. Criteria: Invitae Variant Classification Sherloc (09022015). Collection method: clinical testing. Allele origin: germline.

CeGaT Center for Human Genetics Tuebingen
Classification: Benign. Last evaluated: 2025-09-01. Review status: criteria provided, single submitter. Criteria: CeGaT Center For Human Genetics Tuebingen Variant Classification Criteria Version 2. Collection method: clinical testing. Allele origin: germline. Affected: yes. Observed: 1 variant allele.
Comment: SLC1A2: BP4, BS1, BS2

Blueprint Genetics
Classification: Likely benign. Last evaluated: 2024-10-08. Review status: criteria provided, single submitter. Criteria: ACMG Guidelines, 2015. Collection method: clinical testing. Allele origin: germline.

Breakthrough Genomics
Classification: Benign. Review status: criteria provided, single submitter. Criteria: ACMG Guidelines, 2015. Collection method: not provided. Allele origin: germline. Inheritance: Autosomal dominant inheritance. Affected: yes.

PreventionGenetics, part of Exact Sciences
Classification: Benign for SLC1A2-related condition. Last evaluated: 2019-11-26. Review status: no assertion criteria provided. Collection method: clinical testing. Allele origin: germline. Not counted in ClinVar's aggregate classification.
Comment: This variant is classified as benign based on ACMG/AMP sequence variant interpretation guidelines (Richards et al. 2015 PMID: 25741868, with internal and published modifications).

NM_004171.4(SLC1A2):c.711G>A (p.Lys237=)

Gene: SLC1A2 (solute carrier family 1 member 2; minus strand). Cytogenetic location: 11p13.
Variant type: single nucleotide variant.
Coding change: c.711G>A on transcript NM_004171.4 (MANE Select); coding-DNA position 711, G replaced by A.
Protein change: p.Lys237=; no amino-acid change (lysine 237 retained).
Molecular consequence: synonymous variant.
Genome position (GRCh38, 1-based): chr11:35,306,093, C>T on the plus strand (G>A on the coding strand, the complement: SLC1A2 is on the minus strand). VCF-style: chr11-35306093-C-T. GRCh37 (hg19) VCF-style: chr11-35327640-C-T.
Other names: c.684G>A, p.Lys228= (NM_001195728.3, NM_001252652.2).
Identifiers: ClinVar variation 766935 (VCV000766935.20), dbSNP rs35330053, ClinGen allele CA5947250.
Genomic context (GRCh38, chr11:35,306,093, plus strand): 5'-ATTGCCAGGGAAGCAGAATCCCGGACCACCAGCTGGCCTACCTAAGACGTTCATCCCATC[C>T]TTGAACTCCAGGCCCTTCTTGATAACCATCTTAGTCTCCTCCGGCACCTCAGTCACAGTC-3'
Protein context (NP_004162.2, residues 227-247): KMVIKKGLEF[Lys237=]DGMNVLGLIG